The following is an entry in ClinVar:

NM_017827.3(SARS2):c.-28C>G

Genes: SARS2 (seryl-tRNA synthetase 2, mitochondrial; minus strand), LOC130064387 (ATAC-STARR-seq lymphoblastoid active region 14604; plus strand). Cytogenetic location: 19q13.2.
Variant type: single nucleotide variant.
Coding change: c.-28C>G on transcript NM_017827.3; 28 bases upstream of the start codon, C replaced by G.
Genome position (GRCh38, 1-based): chr19:38,930,764, G>C on the plus strand (C>G on the coding strand, the complement: SARS2 is on the minus strand). VCF-style: chr19-38930764-G-C. GRCh37 (hg19) VCF-style: chr19-39421404-G-C.
Identifiers: ClinVar variation 511822 (VCV000511822.3), dbSNP rs1464478335, ClinGen allele CA658799223.

ClinVar aggregate classification (germline): Likely benign (1 of 4 stars; one submission).

Submission:

GeneDx
Classification: Likely benign. Last evaluated: 2017-09-21. Review status: criteria provided, single submitter. Criteria: GeneDx Variant Classification (06012015). Collection method: clinical testing. Allele origin: germline. Affected: yes.
Comment: This variant is considered likely benign or benign based on one or more of the following criteria: it is a conservative change, it occurs at a poorly conserved position in the protein, it is predicted to be benign by multiple in silico algorithms, and/or has population frequency not consistent with disease.